The following is an entry in ClinVar:

NM_000260.4(MYO7A):c.1350_1359dup (p.Ile454fs)

Gene: MYO7A (myosin VIIA; plus strand). Cytogenetic location: 11q13.5.
Variant type: Duplication.
Coding change: c.1350_1359dup on transcript NM_000260.4 (MANE Select); coding-DNA positions 1350 to 1359, 10 bases duplicated (GCAGCTCTGC; older notation c.1350_1359dupGCAGCTCTGC).
Protein change: p.Ile454fs; shifts the reading frame from isoleucine 454.
Molecular consequence: frameshift variant.
Genome position (GRCh38, 1-based): chr11:77,162,126-77,162,135, GCAGCTCTGC duplicated. VCF-style (leftmost placement, unchanged base first): chr11-77162125-A-AGCAGCTCTGC. GRCh37 (hg19) VCF-style: chr11-76873171-A-AGCAGCTCTGC.
Other names: c.1350_1359dup, p.Ile454fs (NM_001127180.2); c.1317_1326dup, p.Ile443fs (NM_001369365.1); c.1350_1359dup (NM_000260.3); short protein forms I443fs, I454fs.
Identifiers: ClinVar variation 2819220 (VCV002819220.4), dbSNP rs2496867576, ClinGen allele CA2739270710.
Genomic context (GRCh38, chr11:77,162,125, plus strand): 5'-GAACAGCATGGTGGGGCCTGAACAACACCCTTACCCCATCCCTGTGCCCCTGCAGCTTTG[A>AGCAGCTCTGC]GCAGCTCTGCATCAACTTCGCCAATGAGCACCTGCAGCAGTTCTTTGTGCGGCACGTGTT-3'

ClinVar aggregate classification (germline): Pathogenic/Likely pathogenic. Review status: criteria provided, multiple submitters, no conflicts (2 of 4 stars). 2 submissions from 2 submitters: Pathogenic (1); Likely pathogenic (1). Last evaluated 2025-06-25.

Conditions:
Usher syndrome type 1B (USH1B). Also called: Usher syndrome type IB. Identifiers: MedGen C1848638, MONDO:0700087.

Submissions (2):

Natera, Inc.
Classification: Likely pathogenic for Usher syndrome type 1B. Last evaluated: 2025-06-25. Review status: criteria provided, single submitter. Criteria: Natera Variant Classification Schema (03/2026). Collection method: clinical testing. Allele origin: germline.
Comment: The c.1350_1359dup variant in MYO7A is a frameshift variant predicted to shift the reading frame beginning at codon 454 and leads to a stop codon 9 codons downstream. This variant is expected to result in nonsense mediated decay, truncation, or a dysfunctional protein product. This variant is rare in the general population with a frequency below the threshold expected for the associated phenotype(s). Given the available evidence, this variant is classified as Likely Pathogenic.

Labcorp Genetics (formerly Invitae), Labcorp
Classification: Pathogenic. Last evaluated: 2022-12-07. Review status: criteria provided, single submitter. Criteria: Invitae Variant Classification Sherloc (09022015). Collection method: clinical testing. Allele origin: germline.
Comment: For these reasons, this variant has been classified as Pathogenic. This variant has not been reported in the literature in individuals affected with MYO7A-related conditions. This variant is not present in population databases (gnomAD no frequency). This sequence change creates a premature translational stop signal (p.Ile454Alafs*9) in the MYO7A gene. It is expected to result in an absent or disrupted protein product. Loss-of-function variants in MYO7A are known to be pathogenic (PMID: 8900236, 25404053).

Literature cited by the submitters: PubMed 8900236 (cited by Labcorp Genetics (formerly Invitae), Labcorp); PubMed 25404053 (cited by Labcorp Genetics (formerly Invitae), Labcorp).